The following is an entry in ClinVar:

ClinVar aggregate classification (germline): Benign/Likely benign. Review status: criteria provided, multiple submitters, no conflicts (2 of 4 stars). 6 submissions from 6 submitters: Benign (1); Likely benign (4). 1 of the submissions does not count toward it. Last evaluated 2025-12-26.

Conditions:
OPA1-related disorder. Also called: OPA1-related condition; OPA1-related disorders.

Allele frequency attached by ClinVar (database versions not stated): gnomAD below 0.00001 and 0.00014; TOPMed 0.00002; gnomAD exomes 0.00022 and 0.00052; ExAC 0.00057; 1000 Genomes Project 30x 0.00125; 1000 Genomes Project 0.00140.
gnomAD v4.1: 333 of 1,614,126 alleles (0.021%); highest among the groups gnomAD compares: South Asian, 0.35%; 2 homozygotes.

Submissions (6):

Labcorp Genetics (formerly Invitae), Labcorp
Classification: Benign. Last evaluated: 2025-12-26. Review status: criteria provided, single submitter. Criteria: Invitae Variant Classification Sherloc (09022015). Collection method: clinical testing. Allele origin: germline.

CeGaT Center for Human Genetics Tuebingen
Classification: Likely benign. Last evaluated: 2025-11-01. Review status: criteria provided, single submitter. Criteria: CeGaT Center For Human Genetics Tuebingen Variant Classification Criteria Version 2. Collection method: clinical testing. Allele origin: germline. Affected: yes. Observed: 1 variant allele.
Comment: OPA1: BS2

Mayo Clinic Laboratories, Mayo Clinic
Classification: Likely benign. Last evaluated: 2025-05-13. Review status: criteria provided, single submitter. Criteria: ACMG Guidelines, 2015. Collection method: clinical testing. Allele origin: germline. Observed: 2 variant alleles.
Comment: BS1, BP4

Blueprint Genetics
Classification: Likely benign. Last evaluated: 2024-11-25. Review status: criteria provided, single submitter. Criteria: ACMG Guidelines, 2015. Collection method: clinical testing. Allele origin: germline.

GeneDx
Classification: Likely benign. Last evaluated: 2020-07-14. Review status: criteria provided, single submitter. Criteria: GeneDx Variant Classification Process June 2021. Collection method: clinical testing. Allele origin: germline. Affected: yes.
Comment: This variant is associated with the following publications: (PMID: 26206283)

PreventionGenetics, part of Exact Sciences
Classification: Likely benign for OPA1-related condition. Last evaluated: 2019-06-13. Review status: no assertion criteria provided. Collection method: clinical testing. Allele origin: germline. Not counted in ClinVar's aggregate classification.
Comment: This variant is classified as likely benign based on ACMG/AMP sequence variant interpretation guidelines (Richards et al. 2015 PMID: 25741868, with internal and published modifications).

NM_130837.3(OPA1):c.182A>G (p.Gln61Arg)

Gene: OPA1 (OPA1 mitochondrial dynamin like GTPase; plus strand). Cytogenetic location: 3q29.
Variant type: single nucleotide variant.
Coding change: c.182A>G on transcript NM_130837.3 (MANE Select); coding-DNA position 182, A replaced by G.
Protein change: p.Gln61Arg; replaces glutamine 61 with arginine.
Molecular consequence: missense variant. On other transcripts: 5 prime UTR variant (2).
Genome position (GRCh38, 1-based): chr3:193,614,872, A>G. VCF-style: chr3-193614872-A-G. GRCh37 (hg19) VCF-style: chr3-193332661-A-G.
Other names: p.Gln61Arg; c.-191A>G (NM_001354664.2, NM_001354663.2); c.182A>G, p.Gln61Arg (NM_015560.3, NM_130831.3, NM_130832.3 and 4 more transcripts); c.182A>G (NM_130837.2); short protein forms Q61R.
Identifiers: ClinVar variation 511815 (VCV000511815.22), dbSNP rs558532319, ClinGen allele CA2758946.
Genomic context (GRCh38, chr3:193,614,872, plus strand): 5'-ATCATTCACATCATCCTACCTTAAAGCTTCAACGACCCCAATTAAGGACATCCTTTCAGC[A>G]GTTCTCTTCTCTGACAAACCTTCCTTTACGTAAACTGAAATTCTCTCCAATTAAATATGG-3'
Protein context (NP_570850.2, residues 51-71): QRPQLRTSFQ[Gln61Arg]FSSLTNLPLR